The following is an entry in ClinVar:

NM_007294.4(BRCA1):c.81-2A>T

Gene: BRCA1 (BRCA1 DNA repair associated; minus strand). Cytogenetic location: 17q21.31.
Variant type: single nucleotide variant.
Coding change: c.81-2A>T on transcript NM_007294.4 (MANE Select); the canonical splice acceptor site of the intron before coding-DNA position 81, A replaced by T.
Molecular consequence: splice acceptor variant. On other transcripts: intron variant (41).
Genome position (GRCh38, 1-based): chr17:43,115,781, T>A on the plus strand (A>T on the coding strand, the complement: BRCA1 is on the minus strand). VCF-style: chr17-43115781-T-A. GRCh37 (hg19) VCF-style: chr17-41267798-T-A.
Other names: c.81-2A>T (NM_001407991.1, NM_001407631.1, NM_001407638.1 and 191 more transcripts); c.-8+8236A>T (NM_001407936.1, NM_001407849.1, NM_001407845.1 and 23 more transcripts); c.-177-2A>T (NM_001407724.1, NM_001408468.1, NM_001407842.1 and 13 more transcripts); c.-61-2A>T (NM_001407697.1, NM_001407838.1, NM_001408410.1 and 47 more transcripts); c.-108-2A>T (NM_001408483.1, NM_001407956.1, NM_001407897.1 and 52 more transcripts); c.-55+8236A>T (NM_001407902.1, NM_001407898.1, NM_001407881.1); c.-224-2A>T (NM_001408492.1, NM_001407889.1, NM_001407900.1); c.-181-2A>T (NM_001407695.1, NM_001408465.1); and 10 more.
Identifiers: ClinVar variation 867460 (VCV000867460.3), dbSNP rs397509326, ClinGen allele CA10601993.
Genomic context (GRCh38, chr17:43,115,781, plus strand): 5'-CTTACTTGCAAAATATGTGGTCACACTTTGTGGAGACAGGTTCCTTGATCAACTCCAGAC[T>A]AGCAGGGTAGGGGGGGAGAAAAAGAAAATAAATGAGGCTCAATAATTTATTTAAAAATAA-3'

Conditions:
Breast-ovarian cancer, familial, susceptibility to, 1 (BROVCA1). Also called: BRCA1 Hereditary Breast and Ovarian Cancer; OVARIAN CANCER, SUSCEPTIBILITY TO. Identifiers: Orphanet 145, MedGen C2676676, MONDO:0011450, OMIM 604370. Disease mechanism: loss of function.

Submission:

Brotman Baty Institute, University of Washington
No classification provided (evidence only). Condition: Breast-ovarian cancer, familial 1. Review status: no classification provided. Collection method: in vitro. Allele origin: not applicable. Functional consequence: functionally_abnormal.
ClinVar note: "not provided" was previously submitted as the classification for the variant. However, the classification appeared to be based only on an observation of functional data so it was converted to no classification on 2025-07-30.